The following is an entry in ClinVar:

ClinVar aggregate classification (germline): Uncertain significance. Review status: criteria provided, multiple submitters, no conflicts (2 of 4 stars). 4 submissions from 4 submitters: Uncertain significance (4). Last evaluated 2025-11-24.

Conditions:
Age related macular degeneration 1 (ARMD1). Also called: MACULOPATHY, AGE-RELATED, 1. Identifiers: MedGen C1864205, MONDO:0011285, OMIM 603075.

Allele frequency attached by ClinVar (database versions not stated): 1000 Genomes Project 30x 0.00016; 1000 Genomes Project 0.00020; ExAC 0.00026; gnomAD exomes 0.00026 and 0.00030; TOPMed 0.00031; gnomAD 0.00037 and 0.00038; ESP Exome Variant Server 0.00054.
gnomAD v4.1: 480 of 1,603,232 alleles (0.03%); highest among the groups gnomAD compares: Non-Finnish European, 0.038%; 2 homozygotes.

Submissions (4):

Labcorp Genetics (formerly Invitae), Labcorp
Classification: Uncertain significance. Last evaluated: 2025-11-24. Review status: criteria provided, single submitter. Criteria: Invitae Variant Classification Sherloc (09022015). Collection method: clinical testing. Allele origin: germline.
Comment: This sequence change replaces isoleucine, which is neutral and non-polar, with valine, which is neutral and non-polar, at codon 1975 of the HMCN1 protein (p.Ile1975Val). This variant is present in population databases (rs145889775, gnomAD 0.05%), and has an allele count higher than expected for a pathogenic variant. This variant has not been reported in the literature in individuals affected with HMCN1-related conditions. ClinVar contains an entry for this variant (Variation ID: 874668). An algorithm developed to predict the effect of missense changes on protein structure and function outputs the following: PolyPhen-2: "Benign". The valine amino acid residue is found in multiple mammalian species, which suggests that this missense change does not adversely affect protein function. In summary, the available evidence is currently insufficient to determine the role of this variant in disease. Therefore, it has been classified as a Variant of Uncertain Significance.

Genome-Nilou Lab
Classification: Uncertain significance for Age related macular degeneration 1. Last evaluated: 2023-04-11. Review status: criteria provided, single submitter. Criteria: ACMG Guidelines, 2015. Collection method: clinical testing. Allele origin: germline. Affected: no.

Ambry Genetics
Classification: Uncertain significance. Last evaluated: 2021-08-02. Review status: criteria provided, single submitter. Criteria: Ambry Variant Classification Scheme 2023. Collection method: clinical testing. Allele origin: germline.

Illumina Laboratory Services, Illumina
Classification: Uncertain significance for Age related macular degeneration 1. Last evaluated: 2018-01-13. Review status: criteria provided, single submitter. Criteria: ICSL Variant Classification Criteria 13 December 2019. Collection method: clinical testing. Allele origin: germline.

NM_031935.3(HMCN1):c.5923A>G (p.Ile1975Val)

Gene: HMCN1 (hemicentin 1; plus strand). Cytogenetic location: 1q31.1.
Variant type: single nucleotide variant.
Coding change: c.5923A>G on transcript NM_031935.3 (MANE Select); coding-DNA position 5923, A replaced by G.
Protein change: p.Ile1975Val; replaces isoleucine 1975 with valine.
Molecular consequence: missense variant.
Genome position (GRCh38, 1-based): chr1:186,038,900, A>G. VCF-style: chr1-186038900-A-G. GRCh37 (hg19) VCF-style: chr1-186008032-A-G.
Other names: short protein forms I1975V.
Identifiers: ClinVar variation 874668 (VCV000874668.11), dbSNP rs145889775, ClinGen allele CA1292420.